The following is an entry in ClinVar:

ClinVar aggregate classification (germline): Conflicting classifications of pathogenicity. Review status: criteria provided, conflicting classifications (1 of 4 stars). 9 submissions from 9 submitters: Uncertain significance (2); Benign (3); Likely benign (4). Last evaluated 2026-09-01.

Conditions:
Spastic paraplegia. Identifiers: MedGen C0037772, HP:0001258.
Hereditary spastic paraplegia. Also called: Familial spastic paraparesis. Identifiers: Orphanet 685, MedGen C0037773, MONDO:0019064. Disease mechanism: loss of function.
Hereditary spastic paraplegia 15 (SPG15). Also called: KJELLIN SYNDROME; SPASTIC PARAPLEGIA AND RETINAL DEGENERATION; SPASTIC PARAPLEGIA 15, AUTOSOMAL RECESSIVE. Identifiers: Orphanet 100996, MedGen C1849128, MONDO:0010044, OMIM 270700.

Allele frequency attached by ClinVar (database versions not stated): 1000 Genomes Project 30x 0.00141; 1000 Genomes Project 0.00160; TOPMed 0.00252; ESP Exome Variant Server 0.00277.
gnomAD v4.1: 5,089 of 1,614,192 alleles (0.32%); highest among the groups gnomAD compares: South Asian, 0.4%; 21 homozygotes.

Submissions (9):

CeGaT Center for Human Genetics Tuebingen
Classification: Likely benign. Last evaluated: 2026-09-01. Review status: criteria provided, single submitter. Criteria: CeGaT Center For Human Genetics Tuebingen Variant Classification Criteria Version 2. Collection method: clinical testing. Allele origin: germline. Affected: yes. Observed: 30 variant alleles.
Comment: ZFYVE26: BP4, BP7, BS2

Labcorp Genetics (formerly Invitae), Labcorp
Classification: Benign for Spastic paraplegia. Last evaluated: 2026-01-28. Review status: criteria provided, single submitter. Criteria: Invitae Variant Classification Sherloc (09022015). Collection method: clinical testing. Allele origin: germline.

Blueprint Genetics
Classification: Likely benign. Last evaluated: 2024-11-27. Review status: criteria provided, single submitter. Criteria: ACMG Guidelines, 2015. Collection method: clinical testing. Allele origin: germline.

Mayo Clinic Laboratories, Mayo Clinic
Classification: Benign. Last evaluated: 2023-11-21. Review status: criteria provided, single submitter. Criteria: ACMG Guidelines, 2015. Collection method: clinical testing. Allele origin: germline. Observed: 11 variant alleles.
Comment: BS1, BS2, BP4, BP7

Athena Diagnostics
Classification: Benign. Last evaluated: 2023-11-07. Review status: criteria provided, single submitter. Criteria: Athena Diagnostics Criteria. Collection method: clinical testing. Allele origin: unknown.

GeneDx
Classification: Likely benign. Last evaluated: 2021-05-12. Review status: criteria provided, single submitter. Criteria: GeneDx Variant Classification Process June 2021. Collection method: clinical testing. Allele origin: germline. Affected: yes.

Genome Diagnostics Laboratory, The Hospital for Sick Children
Classification: Likely benign for Hereditary spastic paraplegia. Last evaluated: 2019-10-01. Review status: criteria provided, single submitter. Criteria: ACMG Guidelines, 2015. Collection method: clinical testing. Allele origin: germline. Affected: yes.

Illumina Laboratory Services, Illumina
Classification: Uncertain significance for Hereditary spastic paraplegia 15. Last evaluated: 2018-01-13. Review status: criteria provided, single submitter. Criteria: ICSL Variant Classification Criteria 13 December 2019. Collection method: clinical testing. Allele origin: germline.

Genetic Services Laboratory, University of Chicago
Classification: Uncertain significance. Last evaluated: 2014-06-27. Review status: criteria provided, single submitter. Criteria: ACMG Guidelines, 2015. Collection method: clinical testing. Allele origin: germline.

NM_015346.4(ZFYVE26):c.4197C>T (p.Thr1399=)

Gene: ZFYVE26 (zinc finger FYVE-type containing 26; minus strand). Cytogenetic location: 14q24.1.
Variant type: single nucleotide variant.
Coding change: c.4197C>T on transcript NM_015346.4 (MANE Select); coding-DNA position 4197, C replaced by T.
Protein change: p.Thr1399=; no amino-acid change (threonine 1399 retained).
Molecular consequence: synonymous variant.
Genome position (GRCh38, 1-based): chr14:67,782,955, G>A on the plus strand (C>T on the coding strand, the complement: ZFYVE26 is on the minus strand). VCF-style: chr14-67782955-G-A. GRCh37 (hg19) VCF-style: chr14-68249672-G-A.
Other names: p.Thr1399=.
Identifiers: ClinVar variation 212640 (VCV000212640.61), dbSNP rs35018134, ClinGen allele CA206139.